The following is an entry in ClinVar:

ClinVar aggregate classification (germline): Uncertain significance. Review status: criteria provided, multiple submitters, no conflicts (2 of 4 stars). 3 submissions from 3 submitters: Uncertain significance (3). Last evaluated 2026-02-11.

Conditions:
Basal cell nevus syndrome 1 (BCNS1). Also called: GORLIN-GOLTZ SYNDROME; MULTIPLE BASAL CELL NEVI, ODONTOGENIC KERATOCYSTS, AND SKELETAL ANOMALIES. Identifiers: MedGen CN376810, MONDO:0958174, OMIM 109400.
Gorlin syndrome. Also called: Nevoid Basal Cell Carcinoma Syndrome; Basal cell nevus syndrome. Identifiers: Orphanet 377, MedGen C0004779, MONDO:0007187.

Allele frequency attached by ClinVar (database versions not stated): gnomAD 0.00006; TOPMed 0.00007; ESP Exome Variant Server 0.00015.
gnomAD v4.1: 141 of 1,613,914 alleles (0.0087%); highest among the groups gnomAD compares: Middle Eastern, 0.017%; no homozygotes.

Submissions (3):

St. Jude Molecular Pathology, St. Jude Children's Research Hospital
Classification: Uncertain significance for Basal cell nevus syndrome 1. Last evaluated: 2026-02-11. Review status: criteria provided, single submitter. Criteria: St. Jude Assertion Criteria 2020. Collection method: clinical testing. Allele origin: germline.
Comment: The PTCH2 c.2263G>A p.(Ala755Thr) missense change has a maximum subpopulation frequency of 0.01% in gnomAD v2.1.1. The in silico tool REVEL is inconclusive about a pathogenic or benign effect of this variant on protein function, and to our knowledge functional studies have not been performed. To our knowledge, this variant has not been reported in individuals with nevoid basal cell carcinoma syndrome. In summary, the evidence currently available is insufficient to determine the clinical significance of this variant. It has therefore been classified as of uncertain significance.

Labcorp Genetics (formerly Invitae), Labcorp
Classification: Uncertain significance for Gorlin syndrome. Last evaluated: 2024-12-26. Review status: criteria provided, single submitter. Criteria: Invitae Variant Classification Sherloc (09022015). Collection method: clinical testing. Allele origin: germline.
Comment: This sequence change replaces alanine, which is neutral and non-polar, with threonine, which is neutral and polar, at codon 755 of the PTCH2 protein (p.Ala755Thr). This variant is present in population databases (rs200862802, gnomAD 0.01%). This variant has not been reported in the literature in individuals affected with PTCH2-related conditions. ClinVar contains an entry for this variant (Variation ID: 1006480). Invitae Evidence Modeling of protein sequence and biophysical properties (such as structural, functional, and spatial information, amino acid conservation, physicochemical variation, residue mobility, and thermodynamic stability) indicates that this missense variant is not expected to disrupt PTCH2 protein function with a negative predictive value of 80%. In summary, the available evidence is currently insufficient to determine the role of this variant in disease. Therefore, it has been classified as a Variant of Uncertain Significance.

Ambry Genetics
Classification: Uncertain significance. Last evaluated: 2024-11-13. Review status: criteria provided, single submitter. Criteria: Ambry Variant Classification Scheme 2023. Collection method: clinical testing. Allele origin: germline.

NM_003738.5(PTCH2):c.2263G>A (p.Ala755Thr)

Gene: PTCH2 (patched 2; minus strand). Cytogenetic location: 1p34.1.
Variant type: single nucleotide variant.
Coding change: c.2263G>A on transcript NM_003738.5 (MANE Select); coding-DNA position 2263, G replaced by A.
Protein change: p.Ala755Thr; replaces alanine 755 with threonine.
Molecular consequence: missense variant.
Genome position (GRCh38, 1-based): chr1:44,827,510, C>T on the plus strand (G>A on the coding strand, the complement: PTCH2 is on the minus strand). VCF-style: chr1-44827510-C-T. GRCh37 (hg19) VCF-style: chr1-45293182-C-T.
Other names: c.2263G>A (NM_003738.4); c.2263G>A, p.Ala755Thr (NM_001166292.2); short protein forms A755T.
Identifiers: ClinVar variation 1006480 (VCV001006480.11), dbSNP rs200862802, ClinGen allele CA823065.
Genomic context (GRCh38, chr1:44,827,510, plus strand): 5'-TGGCCGGTGGGGGCAGCACCGCCTTGAGGGAACTGAAGCGCTGGTGCAGATCAAAGAGGG[C>T]GCGTTGGGAGTGGGCGTAGTCAAAGCCACCCTGGGTCACCAGGGCCACCTCGTACAGGGA-3'
Protein context (NP_003729.3, residues 745-765): GGFDYAHSQR[Ala755Thr]LFDLHQRFSS